The following is an entry in ClinVar:

NM_000053.4(ATP7B):c.51+3G>A

Gene: ATP7B (ATPase copper transporting beta; minus strand). Cytogenetic location: 13q14.3.
Variant type: single nucleotide variant.
Coding change: c.51+3G>A on transcript NM_000053.4 (MANE Select); 3 bases into the intron after coding-DNA position 51, G replaced by A.
Molecular consequence: intron variant.
Genome position (GRCh38, 1-based): chr13:52,011,284, C>T on the plus strand (G>A on the coding strand, the complement: ATP7B is on the minus strand). VCF-style: chr13-52011284-C-T. GRCh37 (hg19) VCF-style: chr13-52585420-C-T.
Other names: c.51+3G>A (NM_001243182.2, NM_001005918.3, NM_001330579.2 and 1 more transcripts).
Identifiers: ClinVar variation 1048948 (VCV001048948.1), dbSNP rs2140766975, ClinGen allele CA2499222495.

ClinVar aggregate classification (germline): Uncertain significance (0 of 4 stars; one submission).

Submission:

Department of Pathology and Laboratory Medicine, Sinai Health System
Classification: Uncertain significance. Review status: no assertion criteria provided. Collection method: clinical testing. Allele origin: unknown. Affected: yes. Study: The Canadian Open Genetics Repository (COGR).
Comment: multiple AR variants in same gene - keep for nowAllele frequency is absent from general population database (gnomAD, UK10K).3 pathogenic variants with a higher frequency threshold than recommended are known in this gene, including:chr13:52520508:G>A, frequency: 0.243%chr13:52523859:G>A, frequency: 0.235%chr13:52535985:A>C, frequency: 0.232%